The following is an entry in ClinVar:

NM_001165963.4(SCN1A):c.2524C>T (p.Leu842Phe)

Gene: SCN1A (sodium voltage-gated channel alpha subunit 1; minus strand). Cytogenetic location: 2q24.3.
Variant type: single nucleotide variant.
Coding change: c.2524C>T on transcript NM_001165963.4 (MANE Select); coding-DNA position 2524, C replaced by T.
Protein change: p.Leu842Phe; replaces leucine 842 with phenylalanine.
Molecular consequence: missense variant. On other transcripts: non-coding transcript variant (1).
Genome position (GRCh38, 1-based): chr2:166,039,488, G>A on the plus strand (C>T on the coding strand, the complement: SCN1A is on the minus strand). VCF-style: chr2-166039488-G-A. GRCh37 (hg19) VCF-style: chr2-166895998-G-A.
Other names: c.2440C>T, p.Leu814Phe (NM_001165964.3, NM_001353957.2, NM_001353958.2); c.2524C>T, p.Leu842Phe (NM_001202435.3, NM_001353948.2); c.2491C>T, p.Leu831Phe (NM_001353949.2, NM_001353950.2, NM_001353951.2 and 2 more transcripts); c.2488C>T, p.Leu830Phe (NM_001353954.2, NM_001353955.2); c.2437C>T, p.Leu813Phe (NM_001353960.2); c.82C>T, p.Leu28Phe (NM_001353961.2); short protein forms L814F, L28F, L831F, L813F, L830F, L842F.
Identifiers: ClinVar variation 2874523 (VCV002874523.4), dbSNP rs2105816934, ClinGen allele CA349062545.

ClinVar aggregate classification (germline): Conflicting classifications of pathogenicity. Review status: criteria provided, conflicting classifications (1 of 4 stars). 2 submissions from 2 submitters: Likely pathogenic (1); Uncertain significance (1). Last evaluated 2025-03-26.

Conditions:
Early-infantile DEE. Also called: Ohtahara syndrome; Early infantile epileptic encephalopathy; Early infantile epileptic encephalopathy with suppression bursts. Identifiers: Orphanet 1934, MedGen C0393706, MONDO:0800491.

Submissions (2):

Women's Health and Genetics/Laboratory Corporation of America, LabCorp
Classification: Uncertain significance. Last evaluated: 2025-03-26. Review status: criteria provided, single submitter. Criteria: LabCorp Variant Classification Summary - May 2015. Collection method: clinical testing. Allele origin: germline.
Comment: Variant summary: SCN1A c.2524C>T (p.Leu842Phe) results in a non-conservative amino acid change in the encoded protein sequence. Four of five in-silico tools predict a damaging effect of the variant on protein function. The variant was absent in 251260 control chromosomes (gnomAD). The available data on variant occurrences in the general population are insufficient to allow any conclusion about variant significance. To our knowledge, no occurrence of c.2524C>T in individuals affected with SCN1A-Related Seizure Disorder and no experimental evidence demonstrating its impact on protein function have been reported. ClinVar contains an entry for this variant (Variation ID: 2874523). Based on the evidence outlined above, the variant was classified as uncertain significance.

Labcorp Genetics (formerly Invitae), Labcorp
Classification: Likely pathogenic for Early-infantile DEE. Last evaluated: 2023-11-20. Review status: criteria provided, single submitter. Criteria: Invitae Variant Classification Sherloc (09022015). Collection method: clinical testing. Allele origin: germline.
Comment: This sequence change replaces leucine, which is neutral and non-polar, with phenylalanine, which is neutral and non-polar, at codon 842 of the SCN1A protein (p.Leu842Phe). This variant is not present in population databases (gnomAD no frequency). This variant has not been reported in the literature in individuals affected with SCN1A-related conditions. Advanced modeling of protein sequence and biophysical properties (such as structural, functional, and spatial information, amino acid conservation, physicochemical variation, residue mobility, and thermodynamic stability) performed at Invitae indicates that this missense variant is expected to disrupt SCN1A protein function with a positive predictive value of 95%. This variant disrupts the p.Leu842 amino acid residue in SCN1A. Other variant(s) that disrupt this residue have been determined to be pathogenic (PMID: 21248271). This suggests that this residue is clinically significant, and that variants that disrupt this residue are likely to be disease-causing. In summary, the currently available evidence indicates that the variant is pathogenic, but additional data are needed to prove that conclusively. Therefore, this variant has been classified as Likely Pathogenic.

Literature cited by the submitters: PubMed 21248271 (cited by Labcorp Genetics (formerly Invitae), Labcorp).